The following is an entry in ClinVar:

NM_001277115.2(DNAH11):c.4678C>G (p.Leu1560Val)

Gene: DNAH11 (dynein axonemal heavy chain 11; plus strand). Cytogenetic location: 7p15.3.
Variant type: single nucleotide variant.
Coding change: c.4678C>G on transcript NM_001277115.2 (MANE Select); coding-DNA position 4678, C replaced by G.
Protein change: p.Leu1560Val; replaces leucine 1560 with valine.
Molecular consequence: missense variant.
Genome position (GRCh38, 1-based): chr7:21,636,048, C>G. VCF-style: chr7-21636048-C-G. GRCh37 (hg19) VCF-style: chr7-21675666-C-G.
Other names: short protein forms L1560V.
Identifiers: ClinVar variation 238922 (VCV000238922.6), dbSNP rs878854443, ClinGen allele CA10582481.

ClinVar aggregate classification (germline): Uncertain significance (1 of 4 stars; one submission).

Conditions:
Primary ciliary dyskinesia. Also called: Ciliary dyskinesia. Identifiers: Orphanet 244, MedGen C0008780, MONDO:0016575, HP:0012265.

Allele frequency attached by ClinVar (database versions not stated): gnomAD exomes 0.00001.
gnomAD v4.1: 2 of 1,613,464 alleles (0.00012%); highest among the groups gnomAD compares: Middle Eastern, 0.033%; no homozygotes.

Submission:

Labcorp Genetics (formerly Invitae), Labcorp
Classification: Uncertain significance for Primary ciliary dyskinesia. Last evaluated: 2021-08-31. Review status: criteria provided, single submitter. Criteria: Invitae Variant Classification Sherloc (09022015). Collection method: clinical testing. Allele origin: germline.
Comment: This sequence change replaces leucine with valine at codon 1560 of the DNAH11 protein (p.Leu1560Val). The leucine residue is highly conserved and there is a small physicochemical difference between leucine and valine. This variant is not present in population databases (ExAC no frequency). This variant has not been reported in the literature in individuals affected with DNAH11-related conditions. Algorithms developed to predict the effect of missense changes on protein structure and function are either unavailable or do not agree on the potential impact of this missense change (SIFT: "Deleterious"; PolyPhen-2: "Possibly Damaging"; Align-GVGD: "Class C0"). In summary, the available evidence is currently insufficient to determine the role of this variant in disease. Therefore, it has been classified as a Variant of Uncertain Significance.